The following is an entry in ClinVar:

ClinVar aggregate classification (germline): Benign. Review status: criteria provided, single submitter (1 of 4 stars). 2 submissions from 2 submitters: Benign (1). 1 of the submissions does not count toward it. Last evaluated 2019-12-31.

Conditions:
CSDE1-related disorder. Also called: CSDE1-related condition.

Allele frequency attached by ClinVar (database versions not stated): gnomAD exomes 0.00065 and 0.00169; ExAC 0.00217; gnomAD 0.00625 and 0.00670; ESP Exome Variant Server 0.00661; TOPMed 0.00713; 1000 Genomes Project 0.00978; 1000 Genomes Project 30x 0.01031.
gnomAD v4.1: 1,953 of 1,614,114 alleles (0.12%); highest among the groups gnomAD compares: African/African-American, 2.2%; 25 homozygotes.

Submissions (2):

Labcorp Genetics (formerly Invitae), Labcorp
Classification: Benign. Last evaluated: 2019-12-31. Review status: criteria provided, single submitter. Criteria: Invitae Variant Classification Sherloc (09022015). Collection method: clinical testing. Allele origin: germline.

PreventionGenetics, part of Exact Sciences
Classification: Likely benign for CSDE1-related condition. Last evaluated: 2022-10-26. Review status: no assertion criteria provided. Collection method: clinical testing. Allele origin: germline. Not counted in ClinVar's aggregate classification.
Comment: This variant is classified as likely benign based on ACMG/AMP sequence variant interpretation guidelines (Richards et al. 2015 PMID: 25741868, with internal and published modifications).

NM_001007553.3(CSDE1):c.1965A>G (p.Gln655=)

Gene: CSDE1 (cold shock domain containing E1; minus strand). Cytogenetic location: 1p13.2.
Variant type: single nucleotide variant.
Coding change: c.1965A>G on transcript NM_001007553.3 (MANE Select); coding-DNA position 1965, A replaced by G.
Protein change: p.Gln655=; no amino-acid change (glutamine 655 retained).
Molecular consequence: synonymous variant.
Genome position (GRCh38, 1-based): chr1:114,720,626, T>C on the plus strand (A>G on the coding strand, the complement: CSDE1 is on the minus strand). VCF-style: chr1-114720626-T-C. GRCh37 (hg19) VCF-style: chr1-115263247-T-C.
Other names: c.2010A>G, p.Gln670= (NM_001130523.3); c.2103A>G, p.Gln701= (NM_001242891.2); c.1965A>G, p.Gln655= (NM_001242892.2); c.1872A>G, p.Gln624= (NM_001242893.2, NM_007158.6).
Identifiers: ClinVar variation 715551 (VCV000715551.6), dbSNP rs75427731, ClinGen allele CA1020939.